The following is an entry in ClinVar:

ClinVar aggregate classification (germline): Likely benign. Review status: criteria provided, multiple submitters, no conflicts (2 of 4 stars). 3 submissions from 3 submitters: Likely benign (3). Last evaluated 2025-07-21.

Conditions:
Hereditary cancer-predisposing syndrome. Also called: Tumor predisposition; Neoplastic Syndromes, Hereditary; Hereditary Cancer Syndrome; Hereditary neoplastic syndrome. Identifiers: Orphanet 140162, MedGen C0027672, MeSH D009386, MONDO:0015356.
Hereditary diffuse gastric adenocarcinoma (HDGC). Also called: DIFFUSE GASTRIC AND LOBULAR BREAST CANCER SYNDROME. Identifiers: Orphanet 26106, MedGen C1708349, MONDO:0007648, OMIM 137215.

gnomAD v4.1: 1 of 1,613,722 alleles (0.000062%); highest among the groups gnomAD compares: Admixed American, 0.0017%; no homozygotes.

Submissions (3):

Labcorp Genetics (formerly Invitae), Labcorp
Classification: Likely benign for Hereditary diffuse gastric adenocarcinoma. Last evaluated: 2025-07-21. Review status: criteria provided, single submitter. Criteria: Invitae Variant Classification Sherloc (09022015). Collection method: clinical testing. Allele origin: germline.

Myriad Genetics, Inc.
Classification: Likely benign for Hereditary diffuse gastric adenocarcinoma. Last evaluated: 2024-09-18. Review status: criteria provided, single submitter. Criteria: Myriad Autosomal Dominant, Autosomal Recessive and X-Linked Classification Criteria (2023). Collection method: clinical testing. Allele origin: unknown.
Comment: This variant is considered likely benign. This variant is intronic and is not expected to impact mRNA splicing.

Color Diagnostics, LLC DBA Color Health
Classification: Likely benign for Hereditary cancer-predisposing syndrome. Last evaluated: 2017-11-06. Review status: criteria provided, single submitter. Criteria: ACMG Guidelines, 2015. Collection method: clinical testing. Allele origin: germline.

NM_004360.5(CDH1):c.1138-15C>T

Gene: CDH1 (cadherin 1; plus strand). Cytogenetic location: 16q22.1.
Variant type: single nucleotide variant.
Coding change: c.1138-15C>T on transcript NM_004360.5 (MANE Select); 15 bases into the intron before coding-DNA position 1138, C replaced by T.
Molecular consequence: intron variant.
Genome position (GRCh38, 1-based): chr16:68,813,298, C>T. VCF-style: chr16-68813298-C-T. GRCh37 (hg19) VCF-style: chr16-68847201-C-T.
Other names: c.-478-15C>T (NM_001317185.2); c.-682-15C>T (NM_001317186.2); c.1137+1035C>T (NM_001317184.2).
Identifiers: ClinVar variation 491490 (VCV000491490.5), dbSNP rs752733398, ClinGen allele CA658683952.